The following is an entry in ClinVar:

NM_020778.5(ALPK3):c.4550C>T (p.Ala1517Val)

Gene: ALPK3 (alpha kinase 3; plus strand). Cytogenetic location: 15q25.3.
Variant type: single nucleotide variant.
Coding change: c.4550C>T on transcript NM_020778.5 (MANE Select); coding-DNA position 4550, C replaced by T.
Protein change: p.Ala1517Val; replaces alanine 1517 with valine.
Molecular consequence: missense variant.
Genome position (GRCh38, 1-based): chr15:84,864,492, C>T. VCF-style: chr15-84864492-C-T. GRCh37 (hg19) VCF-style: chr15-85407723-C-T.
Other names: short protein forms A1517V.
Identifiers: ClinVar variation 1967702 (VCV001967702.5), dbSNP rs890229989, ClinGen allele CA273632612.
Genomic context (GRCh38, chr15:84,864,492, plus strand): 5'-CTATGTTTAGGATCATCCCACTGTATCTGATCTACCGGCCTGCAAACAATATCCCATATG[C>T]TACCCTGGAGGAAGACCTGGGCAAGCCCCTGGAGTCTTACTGTTCTCGGGAATGGGGCTG-3'
Protein context (NP_065829.4, residues 1507-1527): IYRPANNIPY[Ala1517Val]TLEEDLGKPL

ClinVar aggregate classification (germline): Uncertain significance (1 of 4 stars; one submission).

Allele frequency attached by ClinVar (database versions not stated): gnomAD exomes below 0.00001.
gnomAD v4.1: 2 of 1,614,200 alleles (0.00012%); highest among the groups gnomAD compares: Non-Finnish European, 0.000085%; no homozygotes.

Submission:

Labcorp Genetics (formerly Invitae), Labcorp
Classification: Uncertain significance. Last evaluated: 2025-02-15. Review status: criteria provided, single submitter. Criteria: Invitae Variant Classification Sherloc (09022015). Collection method: clinical testing. Allele origin: germline.
Comment: This sequence change replaces alanine, which is neutral and non-polar, with valine, which is neutral and non-polar, at codon 1719 of the ALPK3 protein (p.Ala1719Val). This variant is not present in population databases (gnomAD no frequency). This variant has not been reported in the literature in individuals affected with ALPK3-related conditions. ClinVar contains an entry for this variant (Variation ID: 1967702). Invitae Evidence Modeling of protein sequence and biophysical properties (such as structural, functional, and spatial information, amino acid conservation, physicochemical variation, residue mobility, and thermodynamic stability) indicates that this missense variant is expected to disrupt ALPK3 protein function with a positive predictive value of 80%. In summary, the available evidence is currently insufficient to determine the role of this variant in disease. Therefore, it has been classified as a Variant of Uncertain Significance.